The following is an entry in ClinVar:

NM_002968.3(SALL1):c.388_391delinsTTTGCTAACAAAGCGGCAGCGGCACTT (p.Pro130fs)

Gene: SALL1 (spalt like transcription factor 1; minus strand). Cytogenetic location: 16q12.1.
Variant type: Indel.
Coding change: c.388_391delinsTTTGCTAACAAAGCGGCAGCGGCACTT on transcript NM_002968.3 (MANE Select); coding-DNA positions 388 to 391, CCGG replaced by TTTGCTAACAAAGCGGCAGCGGCACTT.
Protein change: p.Pro130fs; shifts the reading frame from proline 130.
Molecular consequence: frameshift variant.
Genome position (GRCh38, 1-based): chr16:51,141,831-51,141,834, CCGG replaced by AAGTGCCGCTGCCGCTTTGTTAGCAAA on the plus strand (CCGG replaced by TTTGCTAACAAAGCGGCAGCGGCACTT on the coding strand, the reverse complement: SALL1 is on the minus strand). VCF-style: chr16-51141831-CCGG-AAGTGCCGCTGCCGCTTTGTTAGCAAA. GRCh37 (hg19) VCF-style: chr16-51175742-CCGG-AAGTGCCGCTGCCGCTTTGTTAGCAAA.
Other names: c.97_100delinsTTTGCTAACAAAGCGGCAGCGGCACTT, p.Pro33fs (NM_001127892.2); short protein forms P130fs, P33fs.
Identifiers: ClinVar variation 1179917 (VCV001179917.2), dbSNP rs2143451854, ClinGen allele CA2499223551.
Genomic context (GRCh38, chr16:51,141,831, plus strand): 5'-TGCTTGGGGCGGTACTGCTGTGGCTGCCGCTGGAAGTGCCGCTGCCGCTTTTGTTAGCAA[CCGG>AAGTGCCGCTGCCGCTTTGTTAGCAAA]GGCCTCCACCTCCATGGACTCTTCCCTGTCAAGTCCGTTGTGTTCTGAAAGGTCGCTGCA-3'

ClinVar aggregate classification (germline): Pathogenic (1 of 4 stars; one submission).

Submission:

GeneDx
Classification: Pathogenic. Last evaluated: 2019-08-20. Review status: criteria provided, single submitter. Criteria: GeneDx Variant Classification Process June 2021. Collection method: clinical testing. Allele origin: germline. Affected: yes.
Comment: Frameshift variant predicted to result in protein truncation or nonsense mediated decay in a gene for which loss-of-function is a known mechanism of disease; Not observed in large population cohorts (Lek et al., 2016); Has not been previously published as pathogenic or benign to our knowledge